The following is an entry in ClinVar:

ClinVar aggregate classification (germline): Uncertain significance (1 of 4 stars; one submission).

Conditions:
CDH4-related disorder. Also called: CDH4-related condition.

Submission:

PreventionGenetics, part of Exact Sciences
Classification: Uncertain significance for CDH4-related condition. Last evaluated: 2023-08-25. Review status: criteria provided, single submitter. Criteria: ACMG Guidelines, 2015. Collection method: clinical testing. Allele origin: germline.
Comment: The CDH4 c.2212A>C variant is predicted to result in the amino acid substitution p.Ile738Leu. To our knowledge, this variant has not been reported in the literature or in a large population database, indicating this variant is rare. At this time, the clinical significance of this variant is uncertain due to the absence of conclusive functional and genetic evidence.

NM_001794.5(CDH4):c.2212A>C (p.Ile738Leu)

Gene: CDH4 (cadherin 4; plus strand). Cytogenetic location: 20q13.33.
Variant type: single nucleotide variant.
Coding change: c.2212A>C on transcript NM_001794.5 (MANE Select); coding-DNA position 2212, A replaced by C.
Protein change: p.Ile738Leu; replaces isoleucine 738 with leucine.
Molecular consequence: missense variant.
Genome position (GRCh38, 1-based): chr20:61,929,815, A>C. VCF-style: chr20-61929815-A-C. GRCh37 (hg19) VCF-style: chr20-60504873-A-C.
Other names: c.2101A>C, p.Ile701Leu (NM_001252338.2); c.1990A>C, p.Ile664Leu (NM_001252339.3); short protein forms I664L, I701L, I738L.
Identifiers: ClinVar variation 2631793 (VCV002631793.1), dbSNP rs2516905953, ClinGen allele CA409509852.